The following is an entry in ClinVar:

NM_001098.3(ACO2):c.1968G>C (p.Arg656Ser)

Genes: ACO2 (aconitase 2; plus strand), POLR3H (RNA polymerase III subunit H; minus strand). Cytogenetic location: 22q13.2.
Variant type: single nucleotide variant.
Coding change: c.1968G>C on transcript NM_001098.3 (MANE Select); coding-DNA position 1968, G replaced by C.
Protein change: p.Arg656Ser; replaces arginine 656 with serine.
Molecular consequence: missense variant. On other transcripts: 3 prime UTR variant (5).
Genome position (GRCh38, 1-based): chr22:41,527,302, G>C. VCF-style: chr22-41527302-G-C. GRCh37 (hg19) VCF-style: chr22-41923306-G-C.
Other names: c.*1981C>G (NM_001018050.4, NM_001018052.4, NM_001282884.2 and 2 more transcripts); short protein forms R656S.
Identifiers: ClinVar variation 1959497 (VCV001959497.5), dbSNP rs377371545, ClinGen allele CA411728816.

ClinVar aggregate classification (germline): Uncertain significance (1 of 4 stars; one submission).

Submission:

Labcorp Genetics (formerly Invitae), Labcorp
Classification: Uncertain significance. Last evaluated: 2022-08-09. Review status: criteria provided, single submitter. Criteria: Invitae Variant Classification Sherloc (09022015). Collection method: clinical testing. Allele origin: germline.
Comment: This sequence change replaces arginine, which is basic and polar, with serine, which is neutral and polar, at codon 656 of the ACO2 protein (p.Arg656Ser). This variant is not present in population databases (gnomAD no frequency). This variant has not been reported in the literature in individuals affected with ACO2-related conditions. Advanced modeling of protein sequence and biophysical properties (such as structural, functional, and spatial information, amino acid conservation, physicochemical variation, residue mobility, and thermodynamic stability) performed at Invitae indicates that this missense variant is not expected to disrupt ACO2 protein function. In summary, the available evidence is currently insufficient to determine the role of this variant in disease. Therefore, it has been classified as a Variant of Uncertain Significance.